The following is an entry in ClinVar:

ClinVar aggregate classification (germline): Pathogenic/Likely pathogenic. Review status: criteria provided, multiple submitters, no conflicts (2 of 4 stars). 3 submissions from 3 submitters: Pathogenic (2); Likely pathogenic (1). Last evaluated 2024-10-04.

Conditions:
Camptodactyly-arthropathy-coxa vara-pericarditis syndrome. Also called: Arthropathy camptodactyly syndrome; Pericarditis arthropathy camptodactyly syndrome; Congenital familial hypertrophic synovitis; FIBROSING SEROSITIS, FAMILIAL; JACOBS SYNDROME; PAC SYNDROME. Identifiers: Orphanet 2848, MedGen C1859690, MONDO:0008828, OMIM 208250.

Submissions (3):

Dubai Health Genomic Medicine Center, Dubai Health
Classification: Pathogenic for Camptodactyly-arthropathy-coxa vara-pericarditis syndrome. Last evaluated: 2024-10-04. Review status: criteria provided, single submitter. Criteria: ACMG Guidelines, 2015. Collection method: research. Allele origin: germline. Affected: yes.
Comment: PVS1,PM2,PM3

GeneDx
Classification: Pathogenic. Last evaluated: 2023-10-25. Review status: criteria provided, single submitter. Criteria: GeneDx Variant Classification Process June 2021. Collection method: clinical testing. Allele origin: germline. Affected: yes.
Comment: Frameshift variant predicted to result in protein truncation or nonsense mediated decay in a gene for which loss-of-function is a known mechanism of disease; This variant is associated with the following publications: (PMID: 32860008, 33440462)

CENTOGENE GmbH and LLC - Guiding Precision Medicine
Classification: Likely pathogenic for Camptodactyly-arthropathy-coxa vara-pericarditis syndrome. Review status: criteria provided, single submitter. Criteria: ACMG Guidelines, 2015. Collection method: clinical testing. Allele origin: germline. Affected: yes.

Literature cited by the submitters: PubMed 32860008 (cited by CENTOGENE GmbH and LLC - Guiding Precision Medicine).

NM_005807.6(PRG4):c.3254_3260dup (p.Val1088fs)

Gene: PRG4 (proteoglycan 4; plus strand). Cytogenetic location: 1q31.1.
Variant type: Microsatellite.
Coding change: c.3254_3260dup on transcript NM_005807.6 (MANE Select); coding-DNA positions 3254 to 3260, 7 bases duplicated (CCAAACT; older notation c.3254_3260dupCCAAACT).
Protein change: p.Val1088fs; shifts the reading frame from valine 1088.
Molecular consequence: frameshift variant.
Genome position (GRCh38, 1-based): chr1:186,308,973-186,308,979, CCAAACT duplicated; duplicating any 7 consecutive bases within chr1:186,308,959-186,308,979 gives the same sequence; the c. name uses the placement nearest the transcript's 3' end. VCF-style (leftmost placement, unchanged base first): chr1-186308958-A-ACCAAACT. GRCh37 (hg19) VCF-style: chr1-186278090-A-ACCAAACT.
Other names: c.3254_3260dupCCAAACT (NM_005807.4); c.3131_3137dup, p.Val1047fs (NM_001127708.3); c.2975_2981dup, p.Val995fs (NM_001127709.3); c.2852_2858dup, p.Val954fs (NM_001127710.3); c.3125_3131dup, p.Val1045fs (NM_001303232.2); short protein forms V1045fs, V1047fs, V1088fs, V954fs, V995fs.
Identifiers: ClinVar variation 974887 (VCV000974887.5), dbSNP rs769917456, ClinGen allele CA1296573.